The following is an entry in ClinVar:

ClinVar aggregate classification (germline): Uncertain significance (1 of 4 stars; one submission).

Conditions:
Treacher Collins syndrome 1 (TCS1). Also called: TCOF1-Related Treacher Collins Syndrome. Identifiers: Orphanet 861, MedGen CN315775, MONDO:0007944, OMIM 154500.

Allele frequency attached by ClinVar (database versions not stated): gnomAD exomes below 0.00001; gnomAD 0.00001.
gnomAD v4.1: 3 of 1,613,880 alleles (0.00019%); highest among the groups gnomAD compares: Admixed American, 0.005%; no homozygotes.

Submission:

Labcorp Genetics (formerly Invitae), Labcorp
Classification: Uncertain significance for Treacher Collins syndrome 1. Last evaluated: 2022-10-21. Review status: criteria provided, single submitter. Criteria: Invitae Variant Classification Sherloc (09022015). Collection method: clinical testing. Allele origin: germline.
Comment: In summary, the available evidence is currently insufficient to determine the role of this variant in disease. Therefore, it has been classified as a Variant of Uncertain Significance. Algorithms developed to predict the effect of sequence changes on RNA splicing suggest that this variant may create or strengthen a splice site. This variant has not been reported in the literature in individuals affected with TCOF1-related conditions. This variant is not present in population databases (gnomAD no frequency). This sequence change falls in intron 23 of the TCOF1 gene. It does not directly change the encoded amino acid sequence of the TCOF1 protein.

NM_001371623.1(TCOF1):c.3785-14T>G

Gene: TCOF1 (treacle ribosome biogenesis factor 1; plus strand). Cytogenetic location: 5q32.
Variant type: single nucleotide variant.
Coding change: c.3785-14T>G on transcript NM_001371623.1 (MANE Select); 14 bases into the intron before coding-DNA position 3785, T replaced by G.
Molecular consequence: intron variant.
Genome position (GRCh38, 1-based): chr5:150,396,268, T>G. VCF-style: chr5-150396268-T-G. GRCh37 (hg19) VCF-style: chr5-149775831-T-G.
Other names: c.3782-14T>G (NM_001135243.2); c.3671-14T>G (NM_001135244.2); c.3668-14T>G (NM_001195141.2); c.3554-14T>G (NM_001135245.2); c.3551-14T>G (NM_000356.4).
Identifiers: ClinVar variation 2193968 (VCV002193968.4), dbSNP rs1768490665, ClinGen allele CA1590927394.